The following is an entry in ClinVar:

ClinVar aggregate classification (germline): Uncertain significance (1 of 4 stars; one submission).

Allele frequency attached by ClinVar (database versions not stated): gnomAD exomes 0.00001 and 0.00002; gnomAD 0.00004.
gnomAD v4.1: 15 of 1,520,482 alleles (0.00099%); highest among the groups gnomAD compares: African/African-American, 0.019%; no homozygotes.

Submission:

GeneDx
Classification: Uncertain significance. Last evaluated: 2019-09-23. Review status: criteria provided, single submitter. Criteria: GeneDx Variant Classification Process June 2021. Collection method: clinical testing. Allele origin: germline. Affected: yes.
Comment: Not observed at a significant frequency in large population cohorts (Lek et al., 2016); In silico analysis, which includes protein predictors and evolutionary conservation, supports that this variant does not alter protein structure/function; Has not been previously published as pathogenic or benign to our knowledge

NM_001292063.2(OTOG):c.4603G>A (p.Glu1535Lys)

Gene: OTOG (otogelin; plus strand). Cytogenetic location: 11p15.1.
Variant type: single nucleotide variant.
Coding change: c.4603G>A on transcript NM_001292063.2 (MANE Select); coding-DNA position 4603, G replaced by A.
Protein change: p.Glu1535Lys; replaces glutamic acid 1535 with lysine.
Molecular consequence: missense variant.
Genome position (GRCh38, 1-based): chr11:17,609,903, G>A. VCF-style: chr11-17609903-G-A. GRCh37 (hg19) VCF-style: chr11-17631450-G-A.
Other names: c.4639G>A, p.Glu1547Lys (NM_001277269.2); short protein forms E1535K, E1547K.
Identifiers: ClinVar variation 1308795 (VCV001308795.2), dbSNP rs1379648118, ClinGen allele CA379795894.